The following is an entry in ClinVar:

NM_000037.4(ANK1):c.5545-9T>C

Gene: ANK1 (ankyrin 1; minus strand). Cytogenetic location: 8p11.21.
Variant type: single nucleotide variant.
Coding change: c.5545-9T>C on transcript NM_000037.4 (MANE Select); 9 bases into the intron before coding-DNA position 5545, T replaced by C.
Molecular consequence: intron variant.
Genome position (GRCh38, 1-based): chr8:41,661,573, A>G on the plus strand (T>C on the coding strand, the complement: ANK1 is on the minus strand). VCF-style: chr8-41661573-A-G. GRCh37 (hg19) VCF-style: chr8-41519091-A-G.
Other names: c.5667+303T>C (NM_001142446.2); c.5133+228T>C (NM_020477.3); c.5544+303T>C (NM_020475.3); c.5619+228T>C (NM_020476.3); c.303+2086T>C (NM_020480.5); c.370-9T>C (NM_020478.5); c.444+228T>C (NM_001142445.2).
Identifiers: ClinVar variation 3058323 (VCV003058323.3), dbSNP rs375010708, ClinGen allele CA175911860.
Genomic context (GRCh38, chr8:41,661,573, plus strand): 5'-CCTTCCTGCCCTCTATCAGGTCCGGCTGTAGGCCACTCCCTCTCAGCTCCACCTGCAGAC[A>G]GCAGCAGAGACAGAAAGCAGGACAGATCGCAAAGACGGGCAGAACACAGGCAGAAGATCG-3'

ClinVar aggregate classification (germline): Likely benign. Review status: criteria provided, single submitter (1 of 4 stars). 2 submissions from 2 submitters: Likely benign (1). 1 of the submissions does not count toward it. Last evaluated 2024-06-19.

Conditions:
ANK1-related disorder. Also called: ANK1-related condition.
Hereditary spherocytosis type 1. Also called: Spherocytosis type 1; ANK1-Related Spherocytosis. Identifiers: Orphanet 822, MedGen C2674218, MONDO:0008447, OMIM 182900.

Allele frequency attached by ClinVar (database versions not stated): gnomAD exomes 0.00001; TOPMed 0.00001; gnomAD 0.00002; ESP Exome Variant Server 0.00015.
gnomAD v4.1: 23 of 1,613,708 alleles (0.0014%); highest among the groups gnomAD compares: Non-Finnish European, 0.0019%; no homozygotes.

Submissions (2):

ARUP Laboratories, Molecular Genetics and Genomics, ARUP Laboratories
Classification: Likely benign for Hereditary spherocytosis type 1. Last evaluated: 2024-06-19. Review status: criteria provided, single submitter. Criteria: ARUP Molecular Germline Variant Investigation Process 2024. Collection method: clinical testing. Allele origin: germline.

PreventionGenetics, part of Exact Sciences
Classification: Likely benign for ANK1-related condition. Last evaluated: 2019-04-02. Review status: no assertion criteria provided. Collection method: clinical testing. Allele origin: germline. Not counted in ClinVar's aggregate classification.
Comment: This variant is classified as likely benign based on ACMG/AMP sequence variant interpretation guidelines (Richards et al. 2015 PMID: 25741868, with internal and published modifications).